The following is an entry in ClinVar:

ClinVar aggregate classification (germline): Uncertain significance (1 of 4 stars; one submission).

Conditions:
Hereditary cancer-predisposing syndrome. Also called: Hereditary Cancer Syndrome; Hereditary neoplastic syndrome; Neoplastic Syndromes, Hereditary; Tumor predisposition. Identifiers: Orphanet 140162, MedGen C0027672, MeSH D009386, MONDO:0015356.

Submission:

Ambry Genetics
Classification: Uncertain significance for Hereditary cancer-predisposing syndrome. Last evaluated: 2025-05-02. Review status: criteria provided, single submitter. Criteria: Ambry Variant Classification Scheme 2023. Collection method: clinical testing. Allele origin: germline.
Comment: The p.M375L variant (also known as c.1123A>C) is located in coding exon 12 of the NF2 gene. The methionine at codon 375 is replaced by leucine, an amino acid with highly similar properties. This change occurs in the first base pair of coding exon 12. This amino acid position is conserved. In addition, this alteration is predicted to be tolerated by in silico analysis. Based on the available evidence, the clinical significance of this variant remains unclear.

NM_000268.4(NF2):c.1123A>C (p.Met375Leu)

Gene: NF2 (NF2, moesin-ezrin-radixin like (MERLIN) tumor suppressor; plus strand). Cytogenetic location: 22q12.2.
Variant type: single nucleotide variant.
Coding change: c.1123A>C on transcript NM_000268.4 (MANE Select); coding-DNA position 1123, A replaced by C.
Protein change: p.Met375Leu; replaces methionine 375 with leucine.
Molecular consequence: missense variant. On other transcripts: intron variant (1).
Genome position (GRCh38, 1-based): chr22:29,673,269, A>C. VCF-style: chr22-29673269-A-C. GRCh37 (hg19) VCF-style: chr22-30069258-A-C.
Other names: c.1009A>C, p.Met337Leu (NM_001407053.1, NM_001407056.1); c.1000A>C, p.Met334Leu (NM_001407054.1, NM_001407058.1, NM_181829.3); c.997A>C, p.Met333Leu (NM_001407055.1, NM_181828.3); c.988A>C, p.Met330Leu (NM_001407057.1, NM_001407059.1); c.1123A>C, p.Met375Leu (NM_001407060.1, NM_001407066.1, NM_016418.5 and 2 more transcripts); c.865A>C, p.Met289Leu (NM_001407062.1); c.874A>C, p.Met292Leu (NM_001407063.1, NM_001407064.1, NM_181830.3 and 1 more transcripts); c.589A>C, p.Met197Leu (NM_001407065.1); and 2 more; short protein forms M298L, M330L, M375L, M197L, M333L, M289L, M292L, M334L.
Identifiers: ClinVar variation 3919150 (VCV003919150.1).